The following is an entry in ClinVar:

ClinVar aggregate classification (germline): Benign/Likely benign. Review status: criteria provided, multiple submitters, no conflicts (2 of 4 stars). 12 submissions from 12 submitters: Benign (7); Likely benign (2). 3 of the submissions do not count toward it. Last evaluated 2026-02-03.

Conditions:
Knobloch syndrome 1 (KNO1). Identifiers: MedGen C4551775, MONDO:0800167, OMIM 267750.
Knobloch syndrome (KNO). Also called: Myopia retinal detachment encephalocele; RETINAL DETACHMENT AND OCCIPITAL ENCEPHALOCELE. Identifiers: Orphanet 1571, MedGen C1849409, MONDO:0800166.

Allele frequency attached by ClinVar (database versions not stated): TOPMed 0.06503; gnomAD 0.06611 and 0.06693; ExAC 0.11247; 1000 Genomes Project 0.04433; gnomAD exomes 0.06556 and 0.07973; 1000 Genomes Project 30x 0.04513.
gnomAD v4.1: 124,702 of 1,592,926 alleles (7.8%); highest among the groups gnomAD compares: Non-Finnish European, 8.8%; 5,341 homozygotes.

Submissions (12):

Labcorp Genetics (formerly Invitae), Labcorp
Classification: Benign. Last evaluated: 2026-02-03. Review status: criteria provided, single submitter. Criteria: Invitae Variant Classification Sherloc (09022015). Collection method: clinical testing. Allele origin: germline.

Blueprint Genetics
Classification: Benign. Last evaluated: 2024-11-28. Review status: criteria provided, single submitter. Criteria: ACMG Guidelines, 2015. Collection method: clinical testing. Allele origin: germline.

Department of Pathology and Laboratory Medicine, Sinai Health System
Classification: Benign for Knobloch syndrome 1. Last evaluated: 2023-04-24. Review status: criteria provided, single submitter. Criteria: ACMG Guidelines, 2015. Collection method: research. Allele origin: germline.

GeneDx
Classification: Benign. Last evaluated: 2021-02-23. Review status: criteria provided, single submitter. Criteria: GeneDx Variant Classification Process June 2021. Collection method: clinical testing. Allele origin: germline. Affected: yes.
Comment: This variant is associated with the following publications: (PMID: 11606364, 15714516, 16115201, 14695535, 15662127, 16807676, 26542764)

Mendelics
Classification: Likely benign for Knobloch syndrome 1. Last evaluated: 2019-05-28. Review status: criteria provided, single submitter. Criteria: Mendelics Assertion Criteria 2017. Collection method: clinical testing. Allele origin: unknown.

Athena Diagnostics
Classification: Benign. Last evaluated: 2018-05-07. Review status: criteria provided, single submitter. Criteria: Athena Diagnostics Criteria. Collection method: clinical testing. Allele origin: germline.

Clinical Genetics DNA and cytogenetics Diagnostics Lab, Erasmus MC, Erasmus Medical Center
Classification: Benign for Knobloch syndrome 1. Last evaluated: 2015-09-21. Review status: criteria provided, single submitter. Criteria: ACGS Guidelines, 2013. Collection method: clinical testing. Allele origin: germline. Affected: yes. Study: VKGL Data-share Consensus.

Breakthrough Genomics
Classification: Likely benign. Review status: criteria provided, single submitter. Criteria: ACMG Guidelines, 2015. Collection method: not provided. Allele origin: germline. Inheritance: Autosomal recessive inheritance. Affected: yes.

PreventionGenetics, part of Exact Sciences
Classification: Benign. Review status: criteria provided, single submitter. Criteria: ACMG Guidelines, 2015. Collection method: clinical testing. Allele origin: germline.

OMIM
Classification: Pathogenic for KNOBLOCH SYNDROME 1. Last evaluated: 2004-01-01. Review status: no assertion criteria provided. Collection method: literature only. Allele origin: germline. Not counted in ClinVar's aggregate classification.

Clinical Genetics, Academic Medical Center
Classification: Benign. Review status: no assertion criteria provided. Collection method: clinical testing. Allele origin: germline. Affected: yes. Study: VKGL Data-share Consensus. Not counted in ClinVar's aggregate classification.

Genome Diagnostics Laboratory, Amsterdam University Medical Center
Classification: Benign. Review status: no assertion criteria provided. Collection method: clinical testing. Allele origin: germline. Affected: yes. Study: VKGL Data-share Consensus. Not counted in ClinVar's aggregate classification.

Literature cited by the submitters: PubMed 14695535 (cited by OMIM).

NM_001379500.1(COL18A1):c.3778G>A (p.Asp1260Asn)

Genes: COL18A1 (collagen type XVIII alpha 1 chain; plus strand), SLC19A1 (solute carrier family 19 member 1; minus strand). Cytogenetic location: 21q22.3.
Variant type: single nucleotide variant.
Coding change: c.3778G>A on transcript NM_001379500.1 (MANE Select); coding-DNA position 3778, G replaced by A.
Protein change: p.Asp1260Asn; replaces aspartic acid 1260 with asparagine.
Molecular consequence: missense variant.
Genome position (GRCh38, 1-based): chr21:45,511,195, G>A. VCF-style: chr21-45511195-G-A. GRCh37 (hg19) VCF-style: chr21-46931109-G-A.
Other names: NM_130445.2:c.3769G>A; c.4309G>A, p.Asp1437Asn (NM_030582.4); c.5014G>A, p.Asp1672Asn (NM_130444.3); short protein forms D1437N, D1672N, D1260N.
Identifiers: ClinVar variation 17118 (VCV000017118.22), dbSNP rs12483377, ClinGen allele CA127084.